The following is an entry in ClinVar:

ClinVar aggregate classification (germline): Uncertain significance (1 of 4 stars; one submission).

Conditions:
FG syndrome (FGS). Identifiers: MedGen C0220769, MONDO:0002010.

Submission:

Labcorp Genetics (formerly Invitae), Labcorp
Classification: Uncertain significance for FG syndrome. Last evaluated: 2024-01-25. Review status: criteria provided, single submitter. Criteria: Invitae Variant Classification Sherloc (09022015). Collection method: clinical testing. Allele origin: germline.
Comment: This sequence change replaces alanine, which is neutral and non-polar, with threonine, which is neutral and polar, at codon 1315 of the MED12 protein (p.Ala1315Thr). This variant is not present in population databases (gnomAD no frequency). This variant has not been reported in the literature in individuals affected with MED12-related conditions. Advanced modeling of protein sequence and biophysical properties (such as structural, functional, and spatial information, amino acid conservation, physicochemical variation, residue mobility, and thermodynamic stability) performed at Invitae indicates that this missense variant is not expected to disrupt MED12 protein function with a negative predictive value of 95%. In summary, the available evidence is currently insufficient to determine the role of this variant in disease. Therefore, it has been classified as a Variant of Uncertain Significance.

NM_005120.3(MED12):c.3943G>A (p.Ala1315Thr)

Gene: MED12 (mediator complex subunit 12; plus strand). Cytogenetic location: Xq13.1.
Variant type: single nucleotide variant.
Coding change: c.3943G>A on transcript NM_005120.3 (MANE Select); coding-DNA position 3943, G replaced by A.
Protein change: p.Ala1315Thr; replaces alanine 1315 with threonine.
Molecular consequence: missense variant.
Genome position (GRCh38, 1-based): chrX:71,130,110, G>A. VCF-style: chrX-71130110-G-A. GRCh37 (hg19) VCF-style: chrX-70349960-G-A.
Other names: short protein forms A1315T.
Identifiers: ClinVar variation 2695075 (VCV002695075.3), dbSNP rs2519694977, ClinGen allele CA413523257.